The following is an entry in ClinVar:

ClinVar aggregate classification (germline): Uncertain significance (1 of 4 stars; one submission).

Allele frequency attached by ClinVar (database versions not stated): TOPMed below 0.00001; gnomAD 0.00001; gnomAD exomes 0.00001.
gnomAD v4.1: 4 of 1,613,984 alleles (0.00025%); highest among the groups gnomAD compares: Admixed American, 0.0033%; no homozygotes.

Submission:

Labcorp Genetics (formerly Invitae), Labcorp
Classification: Uncertain significance. Last evaluated: 2025-11-15. Review status: criteria provided, single submitter. Criteria: Invitae Variant Classification Sherloc (09022015). Collection method: clinical testing. Allele origin: germline.
Comment: This sequence change replaces isoleucine, which is neutral and non-polar, with threonine, which is neutral and polar, at codon 1306 of the KMT2E protein (p.Ile1306Thr). This variant is present in population databases (no rsID available, gnomAD 0.003%). This variant has not been reported in the literature in individuals affected with KMT2E-related conditions. ClinVar contains an entry for this variant (Variation ID: 2790858). Invitae Evidence Modeling of protein sequence and biophysical properties (such as structural, functional, and spatial information, amino acid conservation, physicochemical variation, residue mobility, and thermodynamic stability) indicates that this missense variant is not expected to disrupt KMT2E protein function with a negative predictive value of 80%. In summary, the available evidence is currently insufficient to determine the role of this variant in disease. Therefore, it has been classified as a Variant of Uncertain Significance.

NM_182931.3(KMT2E):c.3917T>C (p.Ile1306Thr)

Gene: KMT2E (lysine methyltransferase 2E (inactive); plus strand). Cytogenetic location: 7q22.3.
Variant type: single nucleotide variant.
Coding change: c.3917T>C on transcript NM_182931.3 (MANE Select); coding-DNA position 3917, T replaced by C.
Protein change: p.Ile1306Thr; replaces isoleucine 1306 with threonine.
Molecular consequence: missense variant. On other transcripts: intron variant (1).
Genome position (GRCh38, 1-based): chr7:105,110,549, T>C. VCF-style: chr7-105110549-T-C. GRCh37 (hg19) VCF-style: chr7-104750996-T-C.
Other names: c.3917T>C, p.Ile1306Thr (NM_018682.4); c.3844+181T>C (NM_001410908.1); short protein forms I1306T.
Identifiers: ClinVar variation 2790858 (VCV002790858.3), dbSNP rs1462277837, ClinGen allele CA368790941.